The following is an entry in ClinVar:

ClinVar aggregate classification (germline): Benign/Likely benign. Review status: criteria provided, multiple submitters, no conflicts (2 of 4 stars). 3 submissions from 3 submitters: Benign (1); Likely benign (2). Last evaluated 2026-08-13.

Conditions:
AHR-related disorder. Also called: AHR-related condition.

Allele frequency attached by ClinVar (database versions not stated): gnomAD exomes 0.00017 and 0.00053; ExAC 0.00064; ESP Exome Variant Server 0.00185; gnomAD 0.00192 and 0.00206; TOPMed 0.00216; 1000 Genomes Project 30x 0.00250; 1000 Genomes Project 0.00260.
gnomAD v4.1: 564 of 1,613,974 alleles (0.035%); highest among the groups gnomAD compares: African/African-American, 0.66%; 3 homozygotes.

Submissions (3):

PreventionGenetics, part of Exact Sciences
Classification: Likely benign for AHR-related condition. Last evaluated: 2026-08-13. Review status: criteria provided, single submitter. Criteria: ACMG Guidelines, 2015. Collection method: clinical testing. Allele origin: germline.
Comment: This variant is classified as likely benign based on ACMG/AMP sequence variant interpretation guidelines (Richards et al. 2015 PMID: 25741868, with internal and published modifications).

Labcorp Genetics (formerly Invitae), Labcorp
Classification: Benign. Last evaluated: 2025-11-25. Review status: criteria provided, single submitter. Criteria: Invitae Variant Classification Sherloc (09022015). Collection method: clinical testing. Allele origin: germline.

Blueprint Genetics
Classification: Likely benign. Last evaluated: 2024-11-26. Review status: criteria provided, single submitter. Criteria: ACMG Guidelines, 2015. Collection method: clinical testing. Allele origin: germline.

NM_001621.5(AHR):c.1188A>G (p.Arg396=)

Gene: AHR (aryl hydrocarbon receptor; plus strand). Cytogenetic location: 7p21.1.
Variant type: single nucleotide variant.
Coding change: c.1188A>G on transcript NM_001621.5 (MANE Select); coding-DNA position 1188, A replaced by G.
Protein change: p.Arg396=; no amino-acid change (arginine 396 retained).
Molecular consequence: synonymous variant.
Genome position (GRCh38, 1-based): chr7:17,339,013, A>G. VCF-style: chr7-17339013-A-G. GRCh37 (hg19) VCF-style: chr7-17378637-A-G.
Identifiers: ClinVar variation 709061 (VCV000709061.12), dbSNP rs150125891, ClinGen allele CA4172048.